The following is an entry in ClinVar:

NM_001190274.2(FBXO11):c.1637G>A (p.Gly546Glu)

Gene: FBXO11 (F-box protein 11; minus strand). Cytogenetic location: 2p16.3.
Variant type: single nucleotide variant.
Coding change: c.1637G>A on transcript NM_001190274.2 (MANE Select); coding-DNA position 1637, G replaced by A.
Protein change: p.Gly546Glu; replaces glycine 546 with glutamic acid.
Molecular consequence: missense variant.
Genome position (GRCh38, 1-based): chr2:47,822,283, C>T on the plus strand (G>A on the coding strand, the complement: FBXO11 is on the minus strand). VCF-style: chr2-47822283-C-T. GRCh37 (hg19) VCF-style: chr2-48049422-C-T.
Other names: c.1385G>A, p.Gly462Glu (NM_001374325.1, NM_025133.4); short protein forms G462E, G546E.
Identifiers: ClinVar variation 1013599 (VCV001013599.1), dbSNP rs1671446564, ClinGen allele CA346764576.

ClinVar aggregate classification (germline): Likely pathogenic (1 of 4 stars; one submission).

Conditions:
Intellectual disability. Also called: Intellectual functioning disability; intellectual disabilities; Intellectual developmental disorder. Identifiers: MedGen C3714756, MeSH D008607, MONDO:0001071, HP:0001249.

Submission:

Cytogénomique, Hospices Civils de Lyon
Classification: Likely pathogenic for Intellectual disability. Last evaluated: 2021-03-11. Review status: criteria provided, single submitter. Criteria: ACMG Guidelines, 2015. Collection method: clinical testing. Allele origin: de novo. Inheritance: Sporadic. Affected: yes. Observed: 1 variant allele, 1 heterozygote.
Comment: De novo missense variant absent from gnomAD.